The following is an entry in ClinVar:

NM_001242896.3(DEPDC5):c.4189G>C (p.Val1397Leu)

Gene: DEPDC5 (DEP domain containing 5, GATOR1 subcomplex subunit; plus strand). Cytogenetic location: 22q12.3.
Variant type: single nucleotide variant.
Coding change: c.4189G>C on transcript NM_001242896.3 (MANE Select); coding-DNA position 4189, G replaced by C.
Protein change: p.Val1397Leu; replaces valine 1397 with leucine.
Molecular consequence: missense variant. On other transcripts: non-coding transcript variant (5).
Genome position (GRCh38, 1-based): chr22:31,893,737, G>C. VCF-style: chr22-31893737-G-C. GRCh37 (hg19) VCF-style: chr22-32289723-G-C.
Other names: c.4162G>C, p.Val1388Leu (NM_001136029.4); c.3889G>C, p.Val1297Leu (NM_001242897.2); c.4123G>C, p.Val1375Leu (NM_001363852.2, NM_001364320.2); c.3955G>C, p.Val1319Leu (NM_001363854.2, NM_001364319.2); c.4189G>C, p.Val1397Leu (NM_001364318.2); c.4105G>C, p.Val1369Leu (NM_001369901.1, NM_001369902.1); c.4096G>C, p.Val1366Leu (NM_001369903.1, NM_014662.6); short protein forms V1297L, V1319L, V1366L, V1369L, V1375L, V1388L, V1397L.
Identifiers: ClinVar variation 1806494 (VCV001806494.23), dbSNP rs2093489246, ClinGen allele CA411287448.

ClinVar aggregate classification (germline): Uncertain significance. Review status: criteria provided, multiple submitters, no conflicts (2 of 4 stars). 2 submissions from 2 submitters: Uncertain significance (2). Last evaluated 2024-02-01.

Allele frequency attached by ClinVar (database versions not stated): gnomAD exomes below 0.00001; TOPMed below 0.00001.
gnomAD v4.1: 3 of 1,607,048 alleles (0.00019%); highest among the groups gnomAD compares: Non-Finnish European, 0.00025%; no homozygotes.

Submissions (2):

CeGaT Center for Human Genetics Tuebingen
Classification: Uncertain significance. Last evaluated: 2024-02-01. Review status: criteria provided, single submitter. Criteria: CeGaT Center For Human Genetics Tuebingen Variant Classification Criteria Version 2. Collection method: clinical testing. Allele origin: germline. Affected: yes. Observed: 1 variant allele.
Comment: DEPDC5: PM2, PP2

GeneDx
Classification: Uncertain significance. Last evaluated: 2022-06-20. Review status: criteria provided, single submitter. Criteria: GeneDx Variant Classification Process June 2021. Collection method: clinical testing. Allele origin: germline. Affected: yes.
Comment: Not observed at significant frequency in large population cohorts (gnomAD); In silico analysis supports that this missense variant does not alter protein structure/function; Has not been previously published as pathogenic or benign to our knowledge